The following is an entry in ClinVar:

NM_032608.7(MYO18B):c.7487C>T (p.Pro2496Leu)

Gene: MYO18B (myosin XVIIIB; plus strand). Cytogenetic location: 22q12.1.
Variant type: single nucleotide variant.
Coding change: c.7487C>T on transcript NM_032608.7 (MANE Select); coding-DNA position 7487, C replaced by T.
Protein change: p.Pro2496Leu; replaces proline 2496 with leucine.
Molecular consequence: missense variant.
Genome position (GRCh38, 1-based): chr22:26,027,461, C>T. VCF-style: chr22-26027461-C-T. GRCh37 (hg19) VCF-style: chr22-26423427-C-T.
Other names: c.7490C>T, p.Pro2497Leu (NM_001318245.2); short protein forms P2496L, P2497L.
Identifiers: ClinVar variation 1388735 (VCV001388735.6), dbSNP rs367581364, ClinGen allele CA10161786.

ClinVar aggregate classification (germline): Uncertain significance (1 of 4 stars; one submission).

Allele frequency attached by ClinVar (database versions not stated): gnomAD exomes 0.00005 and 0.00006; gnomAD 0.00006 and 0.00007; ExAC 0.00007; ESP Exome Variant Server 0.00008.
gnomAD v4.1: 83 of 1,613,776 alleles (0.0051%); highest among the groups gnomAD compares: Middle Eastern, 0.016%; no homozygotes.

Submission:

Labcorp Genetics (formerly Invitae), Labcorp
Classification: Uncertain significance. Last evaluated: 2025-12-15. Review status: criteria provided, single submitter. Criteria: Invitae Variant Classification Sherloc (09022015). Collection method: clinical testing. Allele origin: germline.
Comment: This sequence change replaces proline, which is neutral and non-polar, with leucine, which is neutral and non-polar, at codon 2496 of the MYO18B protein (p.Pro2496Leu). This variant is present in population databases (rs367581364, gnomAD 0.01%). This variant has not been reported in the literature in individuals affected with MYO18B-related conditions. ClinVar contains an entry for this variant (Variation ID: 1388735). An algorithm developed to predict the effect of missense changes on protein structure and function outputs the following: PolyPhen-2: "Benign". The leucine amino acid residue is found in multiple mammalian species, which suggests that this missense change does not adversely affect protein function. In summary, the available evidence is currently insufficient to determine the role of this variant in disease. Therefore, it has been classified as a Variant of Uncertain Significance.